The following is an entry in ClinVar:

ClinVar aggregate classification (germline): Pathogenic. Review status: criteria provided, single submitter (1 of 4 stars). 2 submissions from 2 submitters: Pathogenic (1). 1 of the submissions does not count toward it. Last evaluated 2025-11-20.

Conditions:
Mowat-Wilson syndrome (MOWS). Also called: Classic Mowat-Wilson Syndrome. Identifiers: Orphanet 2152, MedGen C1856113, MONDO:0009341, OMIM 235730.

Submissions (2):

Medical Genetics, Karadeniz Technical University
Classification: Pathogenic for Mowat-Wilson syndrome. Last evaluated: 2025-11-20. Review status: criteria provided, single submitter. Criteria: ACMG Guidelines, 2015. Collection method: clinical testing. Allele origin: de novo. Affected: yes.
Comment: Frameshift variation which is predicted to cause nonsense mediated decay and loss of function and autosomal dominant phenotype. Segregations shows de novo inheritance and 0 frequency in GnomAd (v.4.1). Therefore it is classied as pathogenic

Molecular Genetics Laboratory, Children's Mercy Hospital and Clinics
Classification: Pathogenic for Mowat-Wilson syndrome. Last evaluated: 2015-03-02. Review status: no assertion criteria provided. Collection method: clinical testing. Allele origin: unknown. Affected: yes. Not counted in ClinVar's aggregate classification.

Literature cited by the submitters: PubMed 19842203 (cited by Medical Genetics, Karadeniz Technical University).

NM_014795.4(ZEB2):c.1944del (p.Ile649fs)

Gene: ZEB2 (zinc finger E-box binding homeobox 2; minus strand). Cytogenetic location: 2q22.3.
Variant type: Deletion.
Coding change: c.1944del on transcript NM_014795.4 (MANE Select); coding-DNA position 1944, one base deleted (C; older notation c.1944delC).
Protein change: p.Ile649fs; shifts the reading frame from isoleucine 649.
Molecular consequence: frameshift variant.
Genome position (GRCh38, 1-based): chr2:144,399,243, G deleted on the plus strand (C on the coding strand, the reverse complement: ZEB2 is on the minus strand); the first of 4 consecutive G bases (chr2:144,399,243-144,399,246); deleting any one gives the same sequence. VCF-style (leftmost placement, unchanged base first): chr2-144399242-TG-T. GRCh37 (hg19) VCF-style: chr2-145156809-TG-T.
Other names: c.1872delC (NM_001171653.2); c.1872del, p.Ile625fs (NM_001171653.2); short protein forms I625fs, I649fs.
Identifiers: ClinVar variation 189265 (VCV000189265.2), dbSNP rs786204803, ClinGen allele CA274506.
Genomic context (GRCh38, chr2:144,399,242, plus strand): 5'-GCTCCATGTTCATAGCATAGTATGCTTTGAGTACAGACATGTGGTCCTTGTATGGGTTGA[TG>T]GGGCTTGTCATTCCTTTCTCAGAAAGTACAGATGACAAGAGGAGGGCTTTATTATCAACA-3'